The following is an entry in ClinVar:

ClinVar aggregate classification (germline): Likely benign. Review status: reviewed by expert panel (3 of 4 stars). 4 submissions from 4 submitters: Likely benign (1). 3 of the submissions do not count toward it. Last evaluated 2025-04-16.

Conditions:
Hereditary thrombocytopenia and hematologic cancer predisposition syndrome. Identifiers: Orphanet 71290, MedGen CN281654, MONDO:0011071.
Hereditary thrombocytopenia and hematological cancer predisposition syndrome associated with RUNX1. Also called: Familial Platelet Disorder with Propensity to Acute Myelogenous Leukemia; Familial thrombocytopenia with propensity to acute myelogenous leukemia; RUNX1 Familial Platelet Disorder with Associated Myeloid Malignancies; PLATELET DISORDER, ASPIRIN-LIKE. Identifiers: Orphanet 71290, MedGen C1832388, MeSH C563324, MONDO:0100083, OMIM 601399.

Submissions (4):

ClinGen Myeloid Malignancy Variant Curation Expert Panel
Classification: Likely benign for Hereditary thrombocytopenia and hematologic cancer predisposition syndrome. Last evaluated: 2025-04-16. Review status: reviewed by expert panel. Criteria: ClinGen MyeloMalig ACMG Specifications v2. Collection method: curation. Allele origin: germline. Inheritance: Autosomal dominant inheritance.
Comment: NM_001754.5(RUNX1):c.59-12_59-11del is an intronic variant. This variant is completely absent from all population databases with at least 20x coverage for RUNX1 (PM2_supporting). This variant has a spliceAI score under 0.20 (0.04) (BP4). Evolutionary conservation algorithms predict the site as not being conserved (PhyloP score 1.24 < 2.0 or the variant is the reference nucleotide in one primate and/or three mammal species) (BP7). In summary, the clinical significance of this variant is likely benign. ACMG/AMP criteria applied, as specified by the Myeloid Malignancy Variant Curation Expert Panel for RUNX1: PM2_supporting, BP4, BP7.

Labcorp Genetics (formerly Invitae), Labcorp
Classification: Likely benign for Hereditary thrombocytopenia and hematological cancer predisposition syndrome associated with RUNX1. Last evaluated: 2025-05-05. Review status: criteria provided, single submitter. Criteria: Invitae Variant Classification Sherloc (09022015). Collection method: clinical testing. Allele origin: germline. Not counted in ClinVar's aggregate classification.

Blueprint Genetics
Classification: Likely benign. Last evaluated: 2023-09-08. Review status: criteria provided, single submitter. Criteria: ACMG Guidelines, 2015. Collection method: clinical testing. Allele origin: germline. Not counted in ClinVar's aggregate classification.

Genetic Services Laboratory, University of Chicago
Classification: Uncertain significance. Last evaluated: 2017-11-21. Review status: criteria provided, single submitter. Criteria: ACMG Guidelines, 2015. Collection method: clinical testing. Allele origin: germline. Affected: no. Not counted in ClinVar's aggregate classification.

NM_001754.5(RUNX1):c.59-12_59-11del

Gene: RUNX1 (RUNX family transcription factor 1; minus strand). Cytogenetic location: 21q22.12.
Variant type: Deletion.
Coding change: c.59-12_59-11del on transcript NM_001754.5 (MANE Select); 12 bases into the intron before coding-DNA position 59 through 11 bases into the intron before coding-DNA position 59, 2 bases deleted (CT; older notation c.59-12_59-11delCT).
Molecular consequence: intron variant.
Genome position (GRCh38, 1-based): chr21:34,892,974-34,892,975, AG deleted on the plus strand (CT on the coding strand, the reverse complement: RUNX1 is on the minus strand); deleting any 2 consecutive bases within chr21:34,892,974-34,892,976 gives the same sequence; the c. name uses the placement nearest the transcript's 3' end. VCF-style (leftmost placement, unchanged base first): chr21-34892973-CAG-C. GRCh37 (hg19) VCF-style: chr21-36265270-CAG-C.
Identifiers: ClinVar variation 1336352 (VCV001336352.15), dbSNP rs762416613, ClinGen allele CA10014636.